The following is an entry in ClinVar:

ClinVar aggregate classification (germline): Conflicting classifications of pathogenicity. Review status: criteria provided, conflicting classifications (1 of 4 stars). 3 submissions from 3 submitters: Uncertain significance (2); Likely benign (1). Last evaluated 2025-02-16.

Conditions:
Periventricular nodular heterotopia 7 (PVNH7). Identifiers: MedGen C4310669, MONDO:0014966, OMIM 617201.

Allele frequency attached by ClinVar (database versions not stated): gnomAD 0.00004; gnomAD exomes 0.00005; TOPMed 0.00005; ExAC 0.00012.
gnomAD v4.1: 98 of 1,594,374 alleles (0.0061%); highest among the groups gnomAD compares: Admixed American, 0.01%; no homozygotes.

Submissions (3):

Laboratory of Genetics, Children's Clinical University Hospital Latvia
Classification: Likely benign. Last evaluated: 2025-02-16. Review status: criteria provided, single submitter. Criteria: ACMG Guidelines, 2015. Collection method: clinical testing. Allele origin: germline. Affected: yes.

Labcorp Genetics (formerly Invitae), Labcorp
Classification: Uncertain significance. Last evaluated: 2024-09-15. Review status: criteria provided, single submitter. Criteria: Invitae Variant Classification Sherloc (09022015). Collection method: clinical testing. Allele origin: germline.
Comment: This sequence change replaces threonine, which is neutral and polar, with lysine, which is basic and polar, at codon 544 of the NEDD4L protein (p.Thr544Lys). The frequency data for this variant in the population databases is considered unreliable, as metrics indicate poor data quality at this position in the gnomAD database. This variant has not been reported in the literature in individuals affected with NEDD4L-related conditions. ClinVar contains an entry for this variant (Variation ID: 958778). Invitae Evidence Modeling of protein sequence and biophysical properties (such as structural, functional, and spatial information, amino acid conservation, physicochemical variation, residue mobility, and thermodynamic stability) indicates that this missense variant is not expected to disrupt NEDD4L protein function with a negative predictive value of 80%. In summary, the available evidence is currently insufficient to determine the role of this variant in disease. Therefore, it has been classified as a Variant of Uncertain Significance.

Fulgent Genetics
Classification: Uncertain significance for Periventricular nodular heterotopia 7. Last evaluated: 2021-12-09. Review status: criteria provided, single submitter. Criteria: ACMG Guidelines, 2015. Collection method: clinical testing. Allele origin: unknown.

NM_001144967.3(NEDD4L):c.1691C>A (p.Thr564Lys)

Gene: NEDD4L (NEDD4 like E3 ubiquitin protein ligase; plus strand). Cytogenetic location: 18q21.31.
Variant type: single nucleotide variant.
Coding change: c.1691C>A on transcript NM_001144967.3 (MANE Select); coding-DNA position 1691, C replaced by A.
Protein change: p.Thr564Lys; replaces threonine 564 with lysine.
Molecular consequence: missense variant.
Genome position (GRCh38, 1-based): chr18:58,351,028, C>A. VCF-style: chr18-58351028-C-A. GRCh37 (hg19) VCF-style: chr18-56018260-C-A.
Other names: c.1328C>A, p.Thr443Lys (NM_001144964.1, NM_001144965.2, NM_001144966.3); c.1667C>A, p.Thr556Lys (NM_001144968.2); c.1607C>A, p.Thr536Lys (NM_001144969.2); c.1268C>A, p.Thr423Lys (NM_001144970.3, NM_001144971.2); c.1499C>A, p.Thr500Lys (NM_001243960.2); c.1631C>A, p.Thr544Lys (NM_015277.6); short protein forms T423K, T443K, T500K, T544K, T556K, T564K, T536K.
Identifiers: ClinVar variation 958778 (VCV000958778.11), dbSNP rs769198983, ClinGen allele CA8975769.
Genomic context (GRCh38, chr18:58,351,028, plus strand): 5'-TCCCTTCCTTCCCCGGATACTAGCCTGGCTGGGAAGAAAGAATTCACTTGGATGGCCGAA[C>A]GTTTTATATTGATCATAGTAAGTAGGCGCTGTTATGGACACACAGGTGTTGTGGGTTAGA-3'
Protein context (NP_001138439.1, residues 554-574): WEERIHLDGR[Thr564Lys]FYIDHNSKIT